The following is an entry in ClinVar:

ClinVar aggregate classification (germline): Uncertain significance. Review status: criteria provided, multiple submitters, no conflicts (2 of 4 stars). 2 submissions from 2 submitters: Uncertain significance (2). Last evaluated 2025-12-09.

Conditions:
Epilepsy, early-onset, with or without developmental delay. Identifiers: MedGen C5882670, MONDO:0030005, OMIM 618832.
Neurodevelopmental disorder with speech impairment and dysmorphic facies. Identifiers: MedGen C5436699, MONDO:0033630, OMIM 619056.

Submissions (2):

Dasa
Classification: Uncertain significance for Neurodevelopmental disorder with speech impairment and dysmorphic facies. Last evaluated: 2025-12-09. Review status: criteria provided, single submitter. Criteria: DASA Assertion Criteria. Collection method: clinical testing. Allele origin: germline.
Comment: NM_014712.3(SETD1A):c.932G>C (p.Arg311Pro) is a missense variant that results in the substitution of arginine with proline. This variant is rare in population databases. Computational prediction algorithms are consistent with a deleterious effect. The currently available literature and clinical evidence are not sufficient to establish a definitive association between this variant and the reported condition. Therefore, this variant is classified as a variant of uncertain significance.

Neuberg Centre For Genomic Medicine, NCGM
Classification: Uncertain significance for Epilepsy, early-onset, with or without developmental delay. Last evaluated: 2023-06-22. Review status: criteria provided, single submitter. Criteria: ACMG Guidelines, 2015. Collection method: clinical testing. Allele origin: germline. Inheritance: Autosomal dominant inheritance. Affected: yes.
Comment: The missense variant c.932G>C (p.Arg311Pro) in the SETD1A gene has not been reported previously as a pathogenic variant nor as a benign variant, to our knowledge. This variant is absent in the gnomAD Exomes. The amino acid Arg at position 311 is changed to a Pro changing protein sequence and it might alter its composition and physico-chemical properties. Multiple lines of computational evidence (Polyphen - Damaging, SIFT - Damaging and MutationTaster - Disease causing) predict a damaging effect on protein structure and function for this variant. The amino acid change p.Arg311Pro in SETD1A is predicted as conserved by GERP++ and PhyloP across 100 vertebrates. For these reasons, this variant has been classified as Uncertain Significance

NM_014712.3(SETD1A):c.932G>C (p.Arg311Pro)

Gene: SETD1A (SET domain containing 1A, histone lysine methyltransferase; plus strand). Cytogenetic location: 16p11.2.
Variant type: single nucleotide variant.
Coding change: c.932G>C on transcript NM_014712.3 (MANE Select); coding-DNA position 932, G replaced by C.
Protein change: p.Arg311Pro; replaces arginine 311 with proline.
Molecular consequence: missense variant.
Genome position (GRCh38, 1-based): chr16:30,964,674, G>C. VCF-style: chr16-30964674-G-C. GRCh37 (hg19) VCF-style: chr16-30975995-G-C.
Other names: short protein forms R311P.
Identifiers: ClinVar variation 3731388 (VCV003731388.3).